The following is an entry in ClinVar:

NM_000372.5(TYR):c.1357C>A (p.Gln453Lys)

Gene: TYR (tyrosinase; plus strand). Cytogenetic location: 11q14.3.
Variant type: single nucleotide variant.
Coding change: c.1357C>A on transcript NM_000372.5 (MANE Select); coding-DNA position 1357, C replaced by A.
Protein change: p.Gln453Lys; replaces glutamine 453 with lysine.
Molecular consequence: missense variant.
Genome position (GRCh38, 1-based): chr11:89,284,945, C>A. VCF-style: chr11-89284945-C-A. GRCh37 (hg19) VCF-style: chr11-89018113-C-A.
Other names: short protein forms Q453K.
Identifiers: ClinVar variation 1921430 (VCV001921430.4), dbSNP rs62645924, ClinGen allele CA6221412.

ClinVar aggregate classification (germline): Uncertain significance. Review status: criteria provided, multiple submitters, no conflicts (2 of 4 stars). 2 submissions from 2 submitters: Uncertain significance (2). Last evaluated 2025-12-15.

Allele frequency attached by ClinVar (database versions not stated): ExAC 0.00001; gnomAD 0.00001; TOPMed 0.00001; ESP Exome Variant Server 0.00008.
gnomAD v4.1: 19 of 1,610,988 alleles (0.0012%); highest among the groups gnomAD compares: Non-Finnish European, 0.0015%; no homozygotes.

Submissions (2):

Labcorp Genetics (formerly Invitae), Labcorp
Classification: Uncertain significance. Last evaluated: 2025-12-15. Review status: criteria provided, single submitter. Criteria: Invitae Variant Classification Sherloc (09022015). Collection method: clinical testing. Allele origin: germline.
Comment: This sequence change replaces glutamine, which is neutral and polar, with lysine, which is basic and polar, at codon 453 of the TYR protein (p.Gln453Lys). This variant is present in population databases (rs62645924, gnomAD 0.002%). This variant has not been reported in the literature in individuals affected with TYR-related conditions. ClinVar contains an entry for this variant (Variation ID: 1921430). Invitae Evidence Modeling of protein sequence and biophysical properties (such as structural, functional, and spatial information, amino acid conservation, physicochemical variation, residue mobility, and thermodynamic stability) has been performed for this missense variant. However, the output from this modeling did not meet the statistical confidence thresholds required to predict the impact of this variant on TYR protein function. In summary, the available evidence is currently insufficient to determine the role of this variant in disease. Therefore, it has been classified as a Variant of Uncertain Significance.

Blueprint Genetics
Classification: Uncertain significance. Last evaluated: 2024-10-09. Review status: criteria provided, single submitter. Criteria: ACMG Guidelines, 2015. Collection method: clinical testing. Allele origin: germline.